The following is an entry in ClinVar:

ClinVar aggregate classification (germline): Uncertain significance. Review status: criteria provided, multiple submitters, no conflicts (2 of 4 stars). 3 submissions from 3 submitters: Uncertain significance (3). Last evaluated 2026-01-05.

Conditions:
Specific granule deficiency. Identifiers: Orphanet 169142, MedGen C0398593, MONDO:0009506.
Inborn genetic diseases. Identifiers: MedGen C0950123, MeSH D030342.

Allele frequency attached by ClinVar (database versions not stated): ExAC 0.00001; TOPMed 0.00002.

Submissions (3):

Labcorp Genetics (formerly Invitae), Labcorp
Classification: Uncertain significance for Specific granule deficiency. Last evaluated: 2026-01-05. Review status: criteria provided, single submitter. Criteria: Invitae Variant Classification Sherloc (09022015). Collection method: clinical testing. Allele origin: germline.
Comment: This sequence change replaces alanine, which is neutral and non-polar, with aspartic acid, which is acidic and polar, at codon 171 of the CEBPE protein (p.Ala171Asp). The frequency data for this variant in the population databases is considered unreliable, as metrics indicate poor data quality at this position in the gnomAD database. This variant has not been reported in the literature in individuals affected with CEBPE-related conditions. ClinVar contains an entry for this variant (Variation ID: 2085203). An algorithm developed to predict the effect of missense changes on protein structure and function (PolyPhen-2) suggests that this variant is likely to be tolerated. In summary, the available evidence is currently insufficient to determine the role of this variant in disease. Therefore, it has been classified as a Variant of Uncertain Significance.

Ambry Genetics
Classification: Uncertain significance for Inborn genetic diseases. Last evaluated: 2024-03-04. Review status: criteria provided, single submitter. Criteria: Ambry Variant Classification Scheme 2023. Collection method: clinical testing. Allele origin: germline.

Mayo Clinic Laboratories, Mayo Clinic
Classification: Uncertain significance. Last evaluated: 2023-11-03. Review status: criteria provided, single submitter. Criteria: ACMG Guidelines, 2015. Collection method: clinical testing. Allele origin: germline. Observed: 1 variant allele.
Comment: BP4, PM2

NM_001805.4(CEBPE):c.512C>A (p.Ala171Asp)

Gene: CEBPE (CCAAT enhancer binding protein epsilon; minus strand). Cytogenetic location: 14q11.2.
Variant type: single nucleotide variant.
Coding change: c.512C>A on transcript NM_001805.4 (MANE Select); coding-DNA position 512, C replaced by A.
Protein change: p.Ala171Asp; replaces alanine 171 with aspartic acid.
Molecular consequence: missense variant.
Genome position (GRCh38, 1-based): chr14:23,117,821, G>T on the plus strand (C>A on the coding strand, the complement: CEBPE is on the minus strand). VCF-style: chr14-23117821-G-T. GRCh37 (hg19) VCF-style: chr14-23587030-G-T.
Other names: p.Ala171Asp; c.512C>A (NM_001805.3); short protein forms A171D.
Identifiers: ClinVar variation 2085203 (VCV002085203.4), dbSNP rs751972931, ClinGen allele CA7111166.
Genomic context (GRCh38, chr14:23,117,821, plus strand): 5'-CCAGCCGGGGAGGGCGCCTTCAGGAGGGGACTGCAGGGGGGTGCGGCAGTGGCCAAAGGG[G>T]CCTGGAGGGGAAGGCACGGAGAGACGGAGAGGTGAGGGCTGGCCAGGAGGCAGAGCGGAG-3'
Protein context (NP_001796.2, residues 161-181): APGQPLRVLK[Ala171Asp]PLATAAPPCS